The following is an entry in ClinVar:

NM_000138.5(FBN1):c.7412C>T (p.Pro2471Leu)

Gene: FBN1 (fibrillin 1; minus strand). Cytogenetic location: 15q21.1.
Variant type: single nucleotide variant.
Coding change: c.7412C>T on transcript NM_000138.5 (MANE Select); coding-DNA position 7412, C replaced by T.
Protein change: p.Pro2471Leu; replaces proline 2471 with leucine.
Molecular consequence: missense variant.
Genome position (GRCh38, 1-based): chr15:48,425,410, G>A on the plus strand (C>T on the coding strand, the complement: FBN1 is on the minus strand). VCF-style: chr15-48425410-G-A. GRCh37 (hg19) VCF-style: chr15-48717607-G-A.
Other names: short protein forms P2471L.
Identifiers: ClinVar variation 654126 (VCV000654126.12), dbSNP rs193922233, ClinGen allele CA269520583.

ClinVar aggregate classification (germline): Conflicting classifications of pathogenicity. Review status: criteria provided, conflicting classifications (1 of 4 stars). 4 submissions from 4 submitters: Pathogenic (1); Uncertain significance (3). Last evaluated 2025-09-17.

Conditions:
Familial thoracic aortic aneurysm and aortic dissection (TAAD). Also called: Thoracic aortic aneurysms and dissections. Identifiers: Orphanet 91387, MedGen C4707243, MONDO:0019625.
Marfan syndrome (MFS). Also called: FBN1-Related Marfan Syndrome; Marfan syndrome type 1; Marfan's syndrome; Marfan syndrome, classic; MARFAN SYNDROME, TYPE I. Identifiers: Orphanet 284963, Orphanet 558, MedGen C0024796, MONDO:0007947, OMIM 154700.

Allele frequency attached by ClinVar (database versions not stated): TOPMed 0.00002.
gnomAD v4.1: 12 of 1,614,000 alleles (0.00074%); highest among the groups gnomAD compares: African/African-American, 0.0053%; no homozygotes.

Submissions (4):

Labcorp Genetics (formerly Invitae), Labcorp
Classification: Pathogenic for Marfan syndrome; Familial thoracic aortic aneurysm and aortic dissection. Last evaluated: 2025-09-17. Review status: criteria provided, single submitter. Criteria: Invitae Variant Classification Sherloc (09022015). Collection method: clinical testing. Allele origin: germline.
Comment: This sequence change replaces proline, which is neutral and non-polar, with leucine, which is neutral and non-polar, at codon 2471 of the FBN1 protein (p.Pro2471Leu). This variant is present in population databases (no rsID available, gnomAD 0.007%). This missense change has been observed in individuals with clinical features of Marfan syndrome (PMID: 27906200; internal data). ClinVar contains an entry for this variant (Variation ID: 654126). Invitae Evidence Modeling of protein sequence and biophysical properties (such as structural, functional, and spatial information, amino acid conservation, physicochemical variation, residue mobility, and thermodynamic stability) indicates that this missense variant is expected to disrupt FBN1 protein function with a positive predictive value of 95%. This variant disrupts the p.Pro2471 amino acid residue in FBN1. Other variant(s) that disrupt this residue have been determined to be pathogenic (PMID: 28941062; internal data). This suggests that this residue is clinically significant, and that variants that disrupt this residue are likely to be disease-causing. For these reasons, this variant has been classified as Pathogenic.

Ambry Genetics
Classification: Uncertain significance for Familial thoracic aortic aneurysm and aortic dissection. Last evaluated: 2024-12-17. Review status: criteria provided, single submitter. Criteria: Ambry Variant Classification Scheme 2023. Collection method: clinical testing. Allele origin: germline.
Comment: The p.P2471L variant (also known as c.7412C>T), located in coding exon 59 of the FBN1 gene, results from a C to T substitution at nucleotide position 7412. The proline at codon 2471 is replaced by leucine, an amino acid with similar properties. This variant has been reported in abdominal aortic aneurysm and thoracic aortic aneurysm and dissection (TAAD) cohorts (van de Luijtgaarden KM et al. Hum Genet, 2015 Aug;134:881-93; Gago-D&iacute;az M et al. Int J Legal Med, 2017 Sep;131:1211-1219). This variant has also been noted in a cohort of subjects with ocular manifestations that met Ghent criteria (Han D et al. Mol Genet Genomic Med, 2024 Jul;12:e2482). This amino acid position is highly conserved in available vertebrate species. In addition, this alteration is predicted to be deleterious by in silico analysis. Based on the available evidence, the clinical significance of this variant remains unclear.

All of Us Research Program, National Institutes of Health
Classification: Uncertain significance for Marfan syndrome. Last evaluated: 2024-01-11. Review status: criteria provided, single submitter. Criteria: ACMG Guidelines, 2015. Collection method: clinical testing. Allele origin: germline. Inheritance: Autosomal dominant inheritance. Observed: 3 variant alleles, 3 heterozygotes.
Comment: This missense variant replaces proline with leucine at codon 2471 of the FBN1 protein. Computational prediction tools and conservation analyses suggest that this variant may have deleterious impact on protein structure and function. Splice site prediction tools suggest that this variant may not impact RNA splicing. To our knowledge, functional studies have not been performed for this variant. This variant has not been reported in individuals affected with cardiovascular disorders in the literature. This variant has been identified in 1/251366 chromosomes in the general population by the Genome Aggregation Database (gnomAD). The available evidence is insufficient to determine the role of this variant in disease conclusively. Therefore, this variant is classified as a Variant of Uncertain Significance.

This study involves interpretation of variants in research participants for the purpose of population health screening. Participant phenotype was not available at the time of variant classification. Additional details can be found in publication PMID: 35346344, PMCID: PMC8962531

Color Diagnostics, LLC DBA Color Health
Classification: Uncertain significance for Familial thoracic aortic aneurysm and aortic dissection. Last evaluated: 2023-11-16. Review status: criteria provided, single submitter. Criteria: ACMG Guidelines, 2015. Collection method: clinical testing. Allele origin: germline.
Comment: This missense variant replaces proline with leucine at codon 2471 of the FBN1 protein. Computational prediction tools and conservation analyses suggest that this variant may have deleterious impact on protein structure and function. Splice site prediction tools suggest that this variant may not impact RNA splicing. To our knowledge, functional studies have not been performed for this variant. This variant has not been reported in individuals affected with cardiovascular disorders in the literature. This variant has been identified in 1/251366 chromosomes in the general population by the Genome Aggregation Database (gnomAD). The available evidence is insufficient to determine the role of this variant in disease conclusively. Therefore, this variant is classified as a Variant of Uncertain Significance.

Literature cited by the submitters: PubMed 27906200 (cited by Labcorp Genetics (formerly Invitae), Labcorp); PubMed 28941062 (cited by Labcorp Genetics (formerly Invitae), Labcorp); PubMed 26017485 (cited by Ambry Genetics); PubMed 28391405 (cited by Ambry Genetics); PubMed 38958168 (cited by Ambry Genetics).